The following is an entry in ClinVar:

ClinVar aggregate classification (germline): Uncertain significance (1 of 4 stars; one submission).

Conditions:
Inborn genetic diseases. Identifiers: MedGen C0950123, MeSH D030342.

gnomAD v4.1: 6 of 1,614,140 alleles (0.00037%); highest among the groups gnomAD compares: Non-Finnish European, 0.00051%; no homozygotes.

Submission:

Ambry Genetics
Classification: Uncertain significance for Inborn genetic diseases. Last evaluated: 2026-03-17. Review status: criteria provided, single submitter. Criteria: Ambry Variant Classification Scheme 2023. Collection method: clinical testing. Allele origin: germline.
Comment: The c.1343A>C (p.K448T) alteration is located in exon 5 (coding exon 4) of the NSD1 gene. This alteration results from a A to C substitution at nucleotide position 1343, causing the lysine (K) at amino acid position 448 to be replaced by a threonine (T). Based on data from gnomAD, the C allele has an overall frequency of <0.001% (1/251440) total alleles studied. The highest observed frequency was 0.001% (1/113718) of European (non-Finnish) alleles. Based on insufficient or conflicting evidence, the clinical significance of this alteration remains unclear.

NM_022455.5(NSD1):c.1343A>C (p.Lys448Thr)

Gene: NSD1 (nuclear receptor binding SET domain protein 1; plus strand). Cytogenetic location: 5q35.3.
Variant type: single nucleotide variant.
Coding change: c.1343A>C on transcript NM_022455.5 (MANE Select); coding-DNA position 1343, A replaced by C.
Protein change: p.Lys448Thr; replaces lysine 448 with threonine.
Molecular consequence: missense variant.
Genome position (GRCh38, 1-based): chr5:177,209,742, A>C. VCF-style: chr5-177209742-A-C. GRCh37 (hg19) VCF-style: chr5-176636743-A-C.
Other names: c.923A>C, p.Lys308Thr (NM_001409304.1); c.590A>C, p.Lys197Thr (NM_001409305.1); c.470A>C, p.Lys157Thr (NM_001409306.1, NM_001409307.1, NM_001409308.1 and 3 more transcripts); c.1343A>C, p.Lys448Thr (NM_001409301.1, NM_001409302.1, NM_001409303.1); short protein forms K157T, K197T, K308T, K448T.
Identifiers: ClinVar variation 4861201 (VCV004861201.1).